The following is an entry in ClinVar:

ClinVar aggregate classification (germline): Uncertain significance. Review status: criteria provided, multiple submitters, no conflicts (2 of 4 stars). 2 submissions from 2 submitters: Uncertain significance (2). Last evaluated 2025-11-18.

Conditions:
Hereditary cancer-predisposing syndrome. Also called: Hereditary Cancer Syndrome; Hereditary neoplastic syndrome; Neoplastic Syndromes, Hereditary; Tumor predisposition. Identifiers: Orphanet 140162, MedGen C0027672, MeSH D009386, MONDO:0015356.
Retinoblastoma (RB1). Also called: RETINOBLASTOMA, SOMATIC. Identifiers: Orphanet 790, MedGen C0035335, MeSH D012175, MONDO:0008380, OMIM 180200, HP:0009919. Disease mechanism: loss of function. Inheritance: Both sporadic and heritable forms are tested..

Submissions (2):

Ambry Genetics
Classification: Uncertain significance for Hereditary cancer-predisposing syndrome. Last evaluated: 2025-11-18. Review status: criteria provided, single submitter. Criteria: Ambry Variant Classification Scheme 2023. Collection method: clinical testing. Allele origin: germline.
Comment: The p.V520L variant (also known as c.1558G>C), located in coding exon 17 of the RB1 gene, results from a G to C substitution at nucleotide position 1558. The valine at codon 520 is replaced by leucine, an amino acid with highly similar properties. This amino acid position is highly conserved in available vertebrate species. In addition, the in silico prediction for this alteration is inconclusive. Since supporting evidence is limited at this time, the clinical significance of this alteration remains unclear.

Labcorp Genetics (formerly Invitae), Labcorp
Classification: Uncertain significance for Retinoblastoma. Last evaluated: 2024-11-11. Review status: criteria provided, single submitter. Criteria: Invitae Variant Classification Sherloc (09022015). Collection method: clinical testing. Allele origin: germline.
Comment: This sequence change replaces valine, which is neutral and non-polar, with leucine, which is neutral and non-polar, at codon 520 of the RB1 protein (p.Val520Leu). This variant is not present in population databases (gnomAD no frequency). This variant has not been reported in the literature in individuals affected with RB1-related conditions. ClinVar contains an entry for this variant (Variation ID: 1775200). Invitae Evidence Modeling of protein sequence and biophysical properties (such as structural, functional, and spatial information, amino acid conservation, physicochemical variation, residue mobility, and thermodynamic stability) indicates that this missense variant is not expected to disrupt RB1 protein function with a negative predictive value of 80%. In summary, the available evidence is currently insufficient to determine the role of this variant in disease. Therefore, it has been classified as a Variant of Uncertain Significance.

NM_000321.3(RB1):c.1558G>C (p.Val520Leu)

Gene: RB1 (RB transcriptional corepressor 1; plus strand). Cytogenetic location: 13q14.2.
Variant type: single nucleotide variant.
Coding change: c.1558G>C on transcript NM_000321.3 (MANE Select); coding-DNA position 1558, G replaced by C.
Protein change: p.Val520Leu; replaces valine 520 with leucine.
Molecular consequence: missense variant.
Genome position (GRCh38, 1-based): chr13:48,381,306, G>C. VCF-style: chr13-48381306-G-C. GRCh37 (hg19) VCF-style: chr13-48955442-G-C.
Other names: c.1558G>C, p.Val520Leu (NM_001407165.1, NM_001407166.1); short protein forms V520L.
Identifiers: ClinVar variation 1775200 (VCV001775200.6), dbSNP rs1174618849, ClinGen allele CA388163513.
Genomic context (GRCh38, chr13:48,381,306, plus strand): 5'-GGAAGTACATCTCAGAATCTTGATTCTGGAACAGATTTGTCTTTCCCATGGATTCTGAAT[G>C]TGCTTAATTTAAAAGCCTTTGATTTTTACAAAGTGATCGAAAGTTTTATCAAAGCAGAAG-3'
Protein context (NP_000312.2, residues 510-530): TDLSFPWILN[Val520Leu]LNLKAFDFYK